The following is an entry in ClinVar:

ClinVar aggregate classification (germline): Uncertain significance (1 of 4 stars; one submission).

gnomAD v4.1: 53 of 1,536,134 alleles (0.0035%); highest among the groups gnomAD compares: African/African-American, 0.023%; no homozygotes.

Submission:

Women's Health and Genetics/Laboratory Corporation of America, LabCorp
Classification: Uncertain significance. Last evaluated: 2025-10-01. Review status: criteria provided, single submitter. Criteria: LabCorp Variant Classification Summary - May 2015. Collection method: clinical testing. Allele origin: germline.
Comment: Variant summary: CCDC141 c.4553A>G (p.Tyr1518Cys) results in a non-conservative amino acid change in the encoded protein sequence. Algorithms developed to predict the effect of missense changes on protein structure and function are either unavailable or do not agree on the potential impact of this missense change. The variant allele was found at a frequency of 5.1e-05 in 138284 control chromosomes. The available data on variant occurrences in the general population are insufficient to allow any conclusion about variant significance. To our knowledge, no occurrence of c.4553A>G in individuals affected with CCDC141-related conditions and no experimental evidence demonstrating its impact on protein function have been reported. No submitters have cited clinical-significance assessments for this variant to ClinVar. Based on the evidence outlined above, the variant was classified as uncertain significance.

NM_173648.4(CCDC141):c.4553A>G (p.Tyr1518Cys)

Gene: CCDC141 (coiled-coil domain containing 141; minus strand). Cytogenetic location: 2q31.2.
Variant type: single nucleotide variant.
Coding change: c.4553A>G on transcript NM_173648.4 (MANE Select); coding-DNA position 4553, A replaced by G.
Protein change: p.Tyr1518Cys; replaces tyrosine 1518 with cysteine.
Molecular consequence: missense variant.
Genome position (GRCh38, 1-based): chr2:178,834,213, T>C on the plus strand (A>G on the coding strand, the complement: CCDC141 is on the minus strand). VCF-style: chr2-178834213-T-C. GRCh37 (hg19) VCF-style: chr2-179698940-T-C.
Other names: short protein forms Y1518C.
Identifiers: ClinVar variation 4687624 (VCV004687624.1).
Genomic context (GRCh38, chr2:178,834,213, plus strand): 5'-CATTGGTGCCAACACCACAGTTATTGTGTGAGGAGCCAGTACATTAGGGACACACTAACA[T>C]AGACGACACACAGGGTTATCCAGTTTACTCTTGTGATTGGCAGCCTGCAGTTACCTGTCA-3'
Protein context (NP_775919.3, residues 1508-1528): RVNWITLCVV[Tyr1518Cys]VSVSLMYWLL